The following is an entry in ClinVar:

NM_000397.4(CYBB):c.483G>A (p.Lys161=)

Gene: CYBB (cytochrome b-245 beta chain; plus strand). Cytogenetic location: Xp21.1.
Variant type: single nucleotide variant.
Coding change: c.483G>A on transcript NM_000397.4 (MANE Select); coding-DNA position 483, G replaced by A.
Protein change: p.Lys161=; no amino-acid change (lysine 161 retained).
Molecular consequence: synonymous variant.
Genome position (GRCh38, 1-based): chrX:37,793,810, G>A. VCF-style: chrX-37793810-G-A. GRCh37 (hg19) VCF-style: chrX-37653063-G-A.
Identifiers: ClinVar variation 2110293 (VCV002110293.4), dbSNP rs2519200090, ClinGen allele CA515670793.

ClinVar aggregate classification (germline): Likely pathogenic (1 of 4 stars; one submission).

Conditions:
Granulomatous disease, chronic, X-linked. Also called: CYTOCHROME b-NEGATIVE GRANULOMATOUS DISEASE, CHRONIC, X-LINKED; GRANULOMATOUS DISEASE, CHRONIC, X-LINKED, SOMATIC MOSAIC. Identifiers: Orphanet 379, MedGen C1844376, MONDO:0010600, OMIM 306400.

Submission:

Labcorp Genetics (formerly Invitae), Labcorp
Classification: Likely pathogenic for Granulomatous disease, chronic, X-linked. Last evaluated: 2022-03-12. Review status: criteria provided, single submitter. Criteria: Invitae Variant Classification Sherloc (09022015). Collection method: clinical testing. Allele origin: germline.
Comment: This sequence change affects codon 161 of the CYBB mRNA. It is a 'silent' change, meaning that it does not change the encoded amino acid sequence of the CYBB protein. RNA analysis indicates that this variant induces altered splicing and may result in an absent or disrupted protein product. This variant is not present in population databases (gnomAD no frequency). This variant has been observed in individuals with chronic granulomatous disease (PMID: 34680870; Invitae). Variants that disrupt the consensus splice site are a relatively common cause of aberrant splicing (PMID: 17576681, 9536098). Studies have shown that this variant results in skipping of exon 5 and introduces a premature termination codon (PMID: 34680870). The resulting mRNA is expected to undergo nonsense-mediated decay. In summary, the currently available evidence indicates that the variant is pathogenic, but additional data are needed to prove that conclusively. Therefore, this variant has been classified as Likely Pathogenic.

Literature cited by the submitters: PubMed 34680870; PubMed 17576681; PubMed 9536098.